The following is an entry in ClinVar:

ClinVar aggregate classification (germline): Uncertain significance (1 of 4 stars; one submission).

Conditions:
Multiple endocrine neoplasia, type 1 (MEN1). Also called: WERMER SYNDROME; Endocrine adenomatosis multiple; MEN 1; MEN I; MEA I. Identifiers: Orphanet 652, MedGen C0025267, MeSH D018761, MONDO:0007540, OMIM 131100.

Submission:

Labcorp Genetics (formerly Invitae), Labcorp
Classification: Uncertain significance for Multiple endocrine neoplasia, type 1. Last evaluated: 2022-06-08. Review status: criteria provided, single submitter. Criteria: Invitae Variant Classification Sherloc (09022015). Collection method: clinical testing. Allele origin: germline.
Comment: In summary, the available evidence is currently insufficient to determine the role of this variant in disease. Therefore, it has been classified as a Variant of Uncertain Significance. Advanced modeling of protein sequence and biophysical properties (such as structural, functional, and spatial information, amino acid conservation, physicochemical variation, residue mobility, and thermodynamic stability) performed at Invitae indicates that this missense variant is expected to disrupt MEN1 protein function. This variant has not been reported in the literature in individuals affected with MEN1-related conditions. This variant is not present in population databases (gnomAD no frequency). This sequence change replaces serine, which is neutral and polar, with threonine, which is neutral and polar, at codon 145 of the MEN1 protein (p.Ser145Thr).

NM_001370259.2(MEN1):c.434G>C (p.Ser145Thr)

Gene: MEN1 (menin 1; minus strand). Cytogenetic location: 11q13.1.
Variant type: single nucleotide variant.
Coding change: c.434G>C on transcript NM_001370259.2 (MANE Select); coding-DNA position 434, G replaced by C.
Protein change: p.Ser145Thr; replaces serine 145 with threonine.
Molecular consequence: missense variant.
Genome position (GRCh38, 1-based): chr11:64,809,676, C>G on the plus strand (G>C on the coding strand, the complement: MEN1 is on the minus strand). VCF-style: chr11-64809676-C-G. GRCh37 (hg19) VCF-style: chr11-64577148-C-G.
Other names: c.434G>C, p.Ser145Thr (NM_000244.4, NM_001370251.2, NM_001370260.2 and 20 more transcripts); short protein forms S145T.
Identifiers: ClinVar variation 2003177 (VCV002003177.4), dbSNP rs2136177735, ClinGen allele CA381186702.
Genomic context (GRCh38, chr11:64,809,676, plus strand): 5'-TTTTGAAGAAGTGGGTCATGGATAAGATTCCCACCTACTGGGCTCCAACCTGTGATGAAG[C>G]TGAAGAGGGACTGGATGTGGGCCCGATCCTTGAAGTAGGAGCGGCTGAGGCTGTTCCATA-3'
Protein context (NP_001357188.2, residues 135-155): KDRAHIQSLF[Ser145Thr]FITGTKLDSS